The following is an entry in ClinVar:

NM_000255.4(MMUT):c.1759T>C (p.Tyr587His)

Gene: MMUT (methylmalonyl-CoA mutase; minus strand). Cytogenetic location: 6p12.3.
Variant type: single nucleotide variant.
Coding change: c.1759T>C on transcript NM_000255.4 (MANE Select); coding-DNA position 1759, T replaced by C.
Protein change: p.Tyr587His; replaces tyrosine 587 with histidine.
Molecular consequence: missense variant.
Genome position (GRCh38, 1-based): chr6:49,441,889, A>G on the plus strand (T>C on the coding strand, the complement: MMUT is on the minus strand). VCF-style: chr6-49441889-A-G. GRCh37 (hg19) VCF-style: chr6-49409602-A-G.
Other names: c.1759T>C (NM_000255.3); short protein forms Y587H.
Identifiers: ClinVar variation 3366551 (VCV003366551.2).
Genomic context (GRCh38, chr6:49,441,889, plus strand): 5'-TTACATATTACCTCTTGATAGCAGATGTTATCTCTTTACTTTCTCCAAATTCCTGGCGAT[A>G]TGCTCCACTCACCATTCGATCATTCGCTTTATGTTCACCAAATACCTTTTTCAGGGCATC-3'
Protein context (NP_000246.2, residues 577-597): KANDRMVSGA[Tyr587His]RQEFGESKEI

ClinVar aggregate classification (germline): Uncertain significance. Review status: criteria provided, multiple submitters, no conflicts (2 of 4 stars). 2 submissions from 2 submitters: Uncertain significance (2). Last evaluated 2025-08-14.

Conditions:
MMUT-related disorder. Also called: MMUT-related condition.

Submissions (2):

PreventionGenetics, part of Exact Sciences
Classification: Uncertain significance for MMUT-related condition. Last evaluated: 2025-08-14. Review status: criteria provided, single submitter. Criteria: ACMG Guidelines, 2015. Collection method: clinical testing. Allele origin: germline.
Comment: The MMUT c.1759T>C variant is predicted to result in the amino acid substitution p.Tyr587His. This variant has been reported in a study of individuals admitted to the neonatal intensive care unit and subsequently diagnosed with an inborn error of metabolism based on biochemical testing; however, no additional genetic, functional or segregation evidence was provided that could help establish pathogenicity (Zhang et al. 2019. PubMed ID: 31998365). Alternate substitutions impacting the same amino acid (p.Tyr587Cys, p.Tyr587Ser) have been reported in the homozygous state or heterozygous state along with a pathogenic MMUT variant in individuals with isolated methylmalonic acidemia (Acquaviva et al. 2005. PubMed ID: 15643616; O'Shea et al. 2012. PubMed ID: 22614770). This variant has not been reported in a large population database (gnomAD), indicating this variant is rare. Although we suspect that this variant may be pathogenic, at this time, the clinical significance of this variant is uncertain due to the absence of conclusive functional and genetic evidence.

Women's Health and Genetics/Laboratory Corporation of America, LabCorp
Classification: Uncertain significance. Last evaluated: 2024-08-01. Review status: criteria provided, single submitter. Criteria: LabCorp Variant Classification Summary - May 2015. Collection method: clinical testing. Allele origin: germline.
Comment: Variant summary: MUT c.1759T>C (p.Tyr587His) results in a conservative amino acid change in the encoded protein sequence. Four of five in-silico tools predict a damaging effect of the variant on protein function. The variant was absent in 251238 control chromosomes. The available data on variant occurrences in the general population are insufficient to allow any conclusion about variant significance. c.1759T>C has been reported in the literature in a compound heterozygous individual affected with Methylmalonic Acidemia (Zhang_20209). These data do not allow any conclusion about variant significance. To our knowledge, no experimental evidence demonstrating an impact on protein function has been reported. The following publication have been ascertained in the context of this evaluation (PMID: 31998365). No submitters have cited clinical-significance assessments for this variant to ClinVar. Based on the evidence outlined above, the variant was classified as uncertain significance.

Literature cited by the submitters: PubMed 31998365 (cited by Women's Health and Genetics/Laboratory Corporation of America, LabCorp).